The following is an entry in ClinVar:

ClinVar aggregate classification (germline): Benign (1 of 4 stars; one submission).

Allele frequency attached by ClinVar (database versions not stated): TOPMed 0.70488; 1000 Genomes Project 30x 0.71405; gnomAD 0.69728; 1000 Genomes Project 0.71788.

Submission:

GeneDx
Classification: Benign. Last evaluated: 2018-06-14. Review status: criteria provided, single submitter. Criteria: GeneDx Variant Classification (06012015). Collection method: clinical testing. Allele origin: germline. Affected: yes.
Comment: This variant is considered likely benign or benign based on one or more of the following criteria: it is a conservative change, it occurs at a poorly conserved position in the protein, it is predicted to be benign by multiple in silico algorithms, and/or has population frequency not consistent with disease.

NM_000531.5(OTC):c.-661C>T

Gene: OTC (ornithine transcarbamylase; plus strand). Cytogenetic location: Xp11.4.
Variant type: single nucleotide variant.
Coding change: c.-661C>T on transcript NM_000531.5; 661 bases upstream of the start codon, C replaced by T.
Molecular consequence: intron variant (on NM_001407092.1).
Genome position (GRCh38, 1-based): chrX:38,352,036, C>T. VCF-style: chrX-38352036-C-T. GRCh37 (hg19) VCF-style: chrX-38211289-C-T.
Other names: c.-79-582C>T (NM_001407092.1).
Identifiers: ClinVar variation 680700 (VCV000680700.3), dbSNP rs5963412, ClinGen allele CA15005737.